The following is an entry in ClinVar:

NM_001005242.3(PKP2):c.1377A>G (p.Thr459=)

Gene: PKP2 (plakophilin 2; minus strand). Cytogenetic location: 12p11.21.
Variant type: single nucleotide variant.
Coding change: c.1377A>G on transcript NM_001005242.3 (MANE Select); coding-DNA position 1377, A replaced by G.
Protein change: p.Thr459=; no amino-acid change (threonine 459 retained).
Molecular consequence: synonymous variant.
Genome position (GRCh38, 1-based): chr12:32,850,767, T>C on the plus strand (A>G on the coding strand, the complement: PKP2 is on the minus strand). VCF-style: chr12-32850767-T-C. GRCh37 (hg19) VCF-style: chr12-33003701-T-C.
Other names: c.1377A>G, p.Thr459= (NM_004572.4).
Identifiers: ClinVar variation 1302941 (VCV001302941.7), dbSNP rs1565590176, ClinGen allele CA479177850.

ClinVar aggregate classification (germline): Uncertain significance. Review status: criteria provided, multiple submitters, no conflicts (2 of 4 stars). 2 submissions from 2 submitters: Uncertain significance (2). Last evaluated 2021-11-06.

Conditions:
Arrhythmogenic right ventricular dysplasia 9 (ARVD9). Also called: ARRHYTHMOGENIC RIGHT VENTRICULAR DYSPLASIA, FAMILIAL, 9; Arrhythmogenic Right Ventricular Dysplasia/Cardiomyopathy 9. Identifiers: MedGen C1836906, MONDO:0012180, OMIM 609040.

Submissions (2):

Labcorp Genetics (formerly Invitae), Labcorp
Classification: Uncertain significance for Arrhythmogenic right ventricular dysplasia 9. Last evaluated: 2021-11-06. Review status: criteria provided, single submitter. Criteria: Invitae Variant Classification Sherloc (09022015). Collection method: clinical testing. Allele origin: germline.
Comment: In summary, the available evidence is currently insufficient to determine the role of this variant in disease. Therefore, it has been classified as a Variant of Uncertain Significance. Algorithms developed to predict the effect of sequence changes on RNA splicing suggest that this variant may disrupt the consensus splice site. This sequence change affects codon 459 of the PKP2 mRNA. It is a 'silent' change, meaning that it does not change the encoded amino acid sequence of the PKP2 protein. It affects a nucleotide within the consensus splice site. This variant is not present in population databases (gnomAD no frequency). This variant has not been reported in the literature in individuals affected with PKP2-related conditions.

GeneDx
Classification: Uncertain significance. Last evaluated: 2021-01-21. Review status: criteria provided, single submitter. Criteria: GeneDx Variant Classification Process June 2021. Collection method: clinical testing. Allele origin: germline. Affected: yes.
Comment: Not observed in large population cohorts (Lek et al., 2016); In silico analysis supports a deleterious effect on splicing; Has not been previously published as pathogenic or benign to our knowledge